The following is an entry in ClinVar:

NM_000310.4(PPT1):c.536+1G>A

Gene: PPT1 (palmitoyl-protein thioesterase 1; minus strand). Cytogenetic location: 1p34.2.
Variant type: single nucleotide variant.
Coding change: c.536+1G>A on transcript NM_000310.4 (MANE Select); the canonical splice donor site of the intron after coding-DNA position 536, G replaced by A.
Molecular consequence: splice donor variant.
Genome position (GRCh38, 1-based): chr1:40,089,409, C>T on the plus strand (G>A on the coding strand, the complement: PPT1 is on the minus strand). VCF-style: chr1-40089409-C-T. GRCh37 (hg19) VCF-style: chr1-40555081-C-T.
Other names: c.227+1G>A (NM_001142604.2); c.536+1G>A (NM_001363695.2).
Identifiers: ClinVar variation 56199 (VCV000056199.23), dbSNP rs386833651, ClinGen allele CA263518.

ClinVar aggregate classification (germline): Likely pathogenic. Review status: criteria provided, single submitter (1 of 4 stars). 3 submissions from 3 submitters: Likely pathogenic (1). 2 of the submissions do not count toward it. Last evaluated 2021-07-10.

Conditions:
Neuronal ceroid lipofuscinosis. Also called: Neuronal Ceroid Lipofuscinoses. Identifiers: Orphanet 216, Orphanet 79263, MedGen C0027877, MONDO:0016295. Disease mechanism: loss of function.
Neuronal ceroid lipofuscinosis 1 (CLN1). Also called: CEROID LIPOFUSCINOSIS, NEURONAL, 1, VARIABLE AGE AT ONSET; PPT1-Related Neuronal Ceroid-Lipofuscinosis. Identifiers: Orphanet 228329, MedGen C1850451, MONDO:0009744, OMIM 256730.
Abnormality of the nervous system. Also called: Congenital nervous system disorder. Identifiers: MedGen C0497552, MONDO:0002320, HP:0000707.

Submissions (3):

Kariminejad - Najmabadi Pathology & Genetics Center
Classification: Likely pathogenic for Abnormality of the nervous system. Last evaluated: 2021-07-10. Review status: criteria provided, single submitter. Criteria: ACMG Guidelines, 2015. Collection method: clinical testing. Allele origin: germline. Affected: yes.

Clinical Molecular Genetics Laboratory, Johns Hopkins All Children's Hospital
Classification: Pathogenic for Neuronal ceroid lipofuscinosis. Last evaluated: 2009-07-23. Review status: no assertion criteria provided. Collection method: clinical testing. Allele origin: germline. Affected: yes. Not counted in ClinVar's aggregate classification.

Juha Muilu Group; Institute for Molecular Medicine Finland (FIMM)
Classification: Likely pathogenic for Ceroid lipofuscinosis neuronal 1. Review status: no assertion criteria provided. Collection method: not provided. Allele origin: unknown. Not counted in ClinVar's aggregate classification.
Comment: FinDis database variant: This variant was not found or characterized by our laboratory, data were collected from public sources: see reference
ClinVar note: Converted during submission from probable-pathogenic to Likely pathogenic.